The following is an entry in ClinVar:

ClinVar aggregate classification (germline): Likely pathogenic (1 of 4 stars; one submission).

Conditions:
Majeed syndrome (MJDS). Also called: CHRONIC RECURRENT MULTIFOCAL OSTEOMYELITIS 1, WITH CONGENITAL DYSERYTHROPOIETIC ANEMIA, WITH OR WITHOUT NEUTROPHILIC DERMATOSIS; LPIN2-Related Majeed Syndrome. Identifiers: Orphanet 77297, MedGen C1864997, MONDO:0012316, OMIM 609628.

Submission:

Labcorp Genetics (formerly Invitae), Labcorp
Classification: Likely pathogenic for Majeed syndrome. Last evaluated: 2016-08-11. Review status: criteria provided, single submitter. Criteria: Invitae Variant Classification Sherloc (09022015). Collection method: clinical testing. Allele origin: germline.
Comment: This variant is a gross deletion of the genomic region encompassing exons 7-18 of the LPIN2 gene. This leads to an in-frame deletion, preserving the integrity of the reading frame. This deletion disruptsÂ¬â€ the DXDXT and LXXIL motifs that are known to be key for protein function in another member of the Lipin family of proteins, LPIN1 (PMID: 16950137, 19369868). For these reasons, this variant has been classified as Likely Pathogenic.

NC_000018.10:g.(?_2921533)_(2938037_?)del

Gene: LPIN2 (lipin 2; minus strand). Cytogenetic location: 18p11.31.
Variant type: Deletion.
Identifiers: ClinVar variation 468453 (VCV000468453.1).